The following is an entry in ClinVar:

ClinVar aggregate classification (germline): Uncertain significance. Review status: criteria provided, multiple submitters, no conflicts (2 of 4 stars). 4 submissions from 4 submitters: Uncertain significance (4). Last evaluated 2026-07-21.

Conditions:
Cardiovascular phenotype. Identifiers: MedGen CN230736.
Cardiomyopathy (CMYO). Also called: Cardiomyopathies. Identifiers: Orphanet 167848, MedGen C0878544, MONDO:0004994, HP:0001638. Inheritance: Various modes of inheritance.
Hypertrophic cardiomyopathy. Also called: HYPERTROPHIC MYOCARDIOPATHY. Identifiers: Orphanet 217569, MedGen C0007194, MeSH D002312, MONDO:0005045, HP:0001639.

Submissions (4):

Ambry Genetics
Classification: Uncertain significance for Cardiovascular phenotype. Last evaluated: 2026-07-21. Review status: criteria provided, single submitter. Criteria: Ambry Variant Classification Scheme 2023. Collection method: clinical testing. Allele origin: germline.
Comment: The p.F157Y variant (also known as c.470T>A), located in coding exon 4 of the MYBPC3 gene, results from a T to A substitution at nucleotide position 470. The phenylalanine at codon 157 is replaced by tyrosine, an amino acid with highly similar properties. This amino acid position is conserved. In addition, the in silico prediction for this alteration is inconclusive. Based on the available evidence, the clinical significance of this variant remains unclear.

Labcorp Genetics (formerly Invitae), Labcorp
Classification: Uncertain significance for Hypertrophic cardiomyopathy. Last evaluated: 2025-11-26. Review status: criteria provided, single submitter. Criteria: Invitae Variant Classification Sherloc (09022015). Collection method: clinical testing. Allele origin: germline.
Comment: This sequence change replaces phenylalanine, which is neutral and non-polar, with tyrosine, which is neutral and polar, at codon 157 of the MYBPC3 protein (p.Phe157Tyr). This variant is not present in population databases (gnomAD no frequency). This variant has not been reported in the literature in individuals affected with MYBPC3-related conditions. ClinVar contains an entry for this variant (Variation ID: 2442865). An algorithm developed to predict the effect of missense changes on protein structure and function (PolyPhen-2) suggests that this variant is likely to be disruptive. In summary, the available evidence is currently insufficient to determine the role of this variant in disease. Therefore, it has been classified as a Variant of Uncertain Significance.

All of Us Research Program, National Institutes of Health
Classification: Uncertain significance for Hypertrophic cardiomyopathy. Last evaluated: 2023-06-27. Review status: criteria provided, single submitter. Criteria: ACMG Guidelines, 2015. Collection method: clinical testing. Allele origin: germline. Inheritance: Autosomal dominant inheritance. Observed: 1 variant allele, 1 heterozygote.
Comment: This study involves interpretation of variants in research participants for the purpose of population health screening. Participant phenotype was not available at the time of variant classification. Additional details can be found in publication PMID: 35346344, PMCID: PMC8962531

CHEO Genetics Diagnostic Laboratory, Children's Hospital of Eastern Ontario
Classification: Uncertain significance for Cardiomyopathy. Last evaluated: 2022-02-11. Review status: criteria provided, single submitter. Criteria: ACMG Guidelines, 2015. Collection method: clinical testing. Allele origin: germline.

NM_000256.3(MYBPC3):c.470T>A (p.Phe157Tyr)

Gene: MYBPC3 (myosin binding protein C3; minus strand). Cytogenetic location: 11p11.2.
Variant type: single nucleotide variant.
Coding change: c.470T>A on transcript NM_000256.3 (MANE Select); coding-DNA position 470, T replaced by A.
Protein change: p.Phe157Tyr; replaces phenylalanine 157 with tyrosine.
Molecular consequence: missense variant.
Genome position (GRCh38, 1-based): chr11:47,350,049, A>T on the plus strand (T>A on the coding strand, the complement: MYBPC3 is on the minus strand). VCF-style: chr11-47350049-A-T. GRCh37 (hg19) VCF-style: chr11-47371600-A-T.
Other names: short protein forms F157Y.
Identifiers: ClinVar variation 2442865 (VCV002442865.5), dbSNP rs2495781761, ClinGen allele CA380338606.
Genomic context (GRCh38, chr11:47,350,049, plus strand): 5'-GCTGGGCACAGCAGCTCACACTCACCCACGGTCACCTCGCCATCCTGTGGCCGCATCACG[A>T]AGAGGCCAATGGGGTCATCGGGGGCTCCAGGGGTAGGACCATTGAGAGCTGCTGAGCTTG-3'
Protein context (NP_000247.2, residues 147-167): PGAPDDPIGL[Phe157Tyr]VMRPQDGEVT